The following is an entry in ClinVar:

ClinVar aggregate classification (germline): Pathogenic/Likely pathogenic. Review status: criteria provided, multiple submitters, no conflicts (2 of 4 stars). 2 submissions from 2 submitters: Pathogenic (1); Likely pathogenic (1). Last evaluated 2024-01-25.

Conditions:
Autoimmune thyroid disease, susceptibility to, 3. Identifiers: MedGen C1842444, MONDO:0011982, OMIM 608175.
Iodotyrosyl coupling defect (TDH3). Also called: HYPOTHYROIDISM, CONGENITAL, DUE TO DYSHORMONOGENESIS, 3; THYROID HORMONOGENESIS, GENETIC DEFECT IN, 3. Identifiers: Orphanet 95716, MedGen C0342194, MONDO:0010135, OMIM 274700.

gnomAD v4.1: 2 of 1,614,128 alleles (0.00012%); highest among the groups gnomAD compares: South Asian, 0.0022%; no homozygotes.

Submissions (2):

Fulgent Genetics
Classification: Likely pathogenic for Iodotyrosyl coupling defect; Autoimmune thyroid disease, susceptibility to, 3. Last evaluated: 2024-01-25. Review status: criteria provided, single submitter. Criteria: ACMG Guidelines, 2015. Collection method: clinical testing. Allele origin: germline.

GeneDx
Classification: Pathogenic. Last evaluated: 2016-10-20. Review status: criteria provided, single submitter. Criteria: GeneDx Variant Classification (06012015). Collection method: clinical testing. Allele origin: germline. Affected: yes.
Comment: The G815X pathogenic variant in the TG gene has not been reported previously as a pathogenic variant nor as a benign variant, to our knowledge. This variant is predicted to cause loss of normal protein function either through protein truncation or nonsense-mediated mRNA decay. The G815X variant was not observed in approximately 6500 individuals of European and African American ancestry in the NHLBI Exome Sequencing Project, indicating it is not a common benign variant in these populations. We interpret G815X as a pathogenic variant.

NM_003235.5(TG):c.2443G>T (p.Gly815Ter)

Gene: TG (thyroglobulin; plus strand). Cytogenetic location: 8q24.22.
Variant type: single nucleotide variant.
Coding change: c.2443G>T on transcript NM_003235.5 (MANE Select); coding-DNA position 2443, G replaced by T.
Protein change: p.Gly815Ter; replaces glycine 815 with a stop codon.
Molecular consequence: nonsense.
Genome position (GRCh38, 1-based): chr8:132,888,250, G>T. VCF-style: chr8-132888250-G-T. GRCh37 (hg19) VCF-style: chr8-133900495-G-T.
Other names: short protein forms G815*.
Identifiers: ClinVar variation 372918 (VCV000372918.3), dbSNP rs16904774, ClinGen allele CA16042706.